The following is an entry in ClinVar:

ClinVar aggregate classification (germline): Likely benign. Review status: criteria provided, multiple submitters, no conflicts (2 of 4 stars). 5 submissions from 5 submitters: Likely benign (5). Last evaluated 2025-09-24.

Conditions:
Kleefstra syndrome 1 (KLEFS1). Identifiers: Orphanet 261494, MedGen C0795833, MONDO:0027407, OMIM 610253.
Inborn genetic diseases. Identifiers: MedGen C0950123, MeSH D030342.

Allele frequency attached by ClinVar (database versions not stated): gnomAD exomes 0.00003 and 0.00008; ExAC 0.00012; gnomAD 0.00012 and 0.00014; TOPMed 0.00012; ESP Exome Variant Server 0.00015.

Submissions (5):

Labcorp Genetics (formerly Invitae), Labcorp
Classification: Likely benign for Kleefstra syndrome 1. Last evaluated: 2025-09-24. Review status: criteria provided, single submitter. Criteria: Invitae Variant Classification Sherloc (09022015). Collection method: clinical testing. Allele origin: germline.

CeGaT Center for Human Genetics Tuebingen
Classification: Likely benign. Last evaluated: 2023-09-01. Review status: criteria provided, single submitter. Criteria: CeGaT Center For Human Genetics Tuebingen Variant Classification Criteria Version 2. Collection method: clinical testing. Allele origin: germline. Affected: yes. Observed: 1 variant allele.
Comment: EHMT1: BP4, BP7

Fulgent Genetics
Classification: Likely benign for Kleefstra syndrome 1. Last evaluated: 2022-05-09. Review status: criteria provided, single submitter. Criteria: ACMG Guidelines, 2015. Collection method: clinical testing. Allele origin: unknown.

GeneDx
Classification: Likely benign. Last evaluated: 2020-12-14. Review status: criteria provided, single submitter. Criteria: GeneDx Variant Classification Process June 2021. Collection method: clinical testing. Allele origin: germline. Affected: yes.

Ambry Genetics
Classification: Likely benign for Inborn genetic diseases. Last evaluated: 2017-05-03. Review status: criteria provided, single submitter. Criteria: Ambry Variant Classification Scheme 2023. Collection method: clinical testing. Allele origin: germline.

NM_024757.5(EHMT1):c.2025C>T (p.Ala675=)

Gene: EHMT1 (euchromatic histone lysine methyltransferase 1; plus strand). Cytogenetic location: 9q34.3.
Variant type: single nucleotide variant.
Coding change: c.2025C>T on transcript NM_024757.5 (MANE Select); coding-DNA position 2025, C replaced by T.
Protein change: p.Ala675=; no amino-acid change (alanine 675 retained).
Molecular consequence: synonymous variant.
Genome position (GRCh38, 1-based): chr9:137,777,888, C>T. VCF-style: chr9-137777888-C-T. GRCh37 (hg19) VCF-style: chr9-140672340-C-T.
Other names: c.2025C>T, p.Ala675= (NM_001145527.2); c.1932C>T, p.Ala644= (NM_001354259.2); c.2004C>T, p.Ala668= (NM_001354263.2).
Identifiers: ClinVar variation 588999 (VCV000588999.41), dbSNP rs367662089, ClinGen allele CA5374800.